The following is an entry in ClinVar:

ClinVar aggregate classification (germline): Benign. Review status: criteria provided, multiple submitters, no conflicts (2 of 4 stars). 3 submissions from 3 submitters: Benign (3). Last evaluated 2026-02-03.

Conditions:
Aortic aneurysm, familial thoracic 4 (AAT4). Also called: AORTIC ANEURYSM/AORTIC DISSECTION AND PATENT DUCTUS ARTERIOSUS. Identifiers: MedGen C1851504, MONDO:0007568, OMIM 132900.

Allele frequency attached by ClinVar (database versions not stated): gnomAD 0.00010 and 0.00081; TOPMed 0.00015; gnomAD exomes 0.00123 and 0.00251; ExAC 0.00294; 1000 Genomes Project 0.00459; 1000 Genomes Project 30x 0.00500.

Submissions (3):

Labcorp Genetics (formerly Invitae), Labcorp
Classification: Benign for Aortic aneurysm, familial thoracic 4. Last evaluated: 2026-02-03. Review status: criteria provided, single submitter. Criteria: Invitae Variant Classification Sherloc (09022015). Collection method: clinical testing. Allele origin: germline.

Women's Health and Genetics/Laboratory Corporation of America, LabCorp
Classification: Benign. Last evaluated: 2020-08-03. Review status: criteria provided, single submitter. Criteria: LabCorp Variant Classification Summary - May 2015. Collection method: clinical testing. Allele origin: germline.
Comment: Variant summary: MYH11 c.2541+15C>G alters a non-conserved nucleotide located close to a canonical splice site and therefore could affect mRNA splicing, leading to a significantly altered protein sequence. 4/4 computational tools predict no significant impact on normal splicing. However, these predictions have yet to be confirmed by functional studies. The variant allele was found at a frequency of 0.0025 in 251078 control chromosomes, predominantly at a frequency of 0.02 within the South Asian subpopulation in the gnomAD database, including 14 homozygotes. The observed variant frequency within South Asian control individuals in the gnomAD database is approximately 1600-fold of the estimated maximal expected allele frequency for a pathogenic variant in MYH11 causing Thoracic Aortic Aneurysms And Dissections phenotype (1.3e-05), strongly suggesting that the variant is a benign polymorphism found primarily in populations of South Asian origin. To our knowledge, no occurrence of c.2541+15C>G in individuals affected with Thoracic Aortic Aneurysms And Dissections and no experimental evidence demonstrating its impact on protein function have been reported. No clinical diagnostic laboratories have submitted clinical-significance assessments for this variant to ClinVar after 2014. Based on the evidence outlined above, the variant was classified as benign.

GeneDx
Classification: Benign. Last evaluated: 2015-03-03. Review status: criteria provided, single submitter. Criteria: GeneDx Variant Classification Process June 2021. Collection method: clinical testing. Allele origin: germline. Affected: yes.

NM_002474.3(MYH11):c.2520+15C>G

Gene: MYH11 (myosin heavy chain 11; minus strand). Cytogenetic location: 16p13.11.
Variant type: single nucleotide variant.
Coding change: c.2520+15C>G on transcript NM_002474.3 (MANE Select); 15 bases into the intron after coding-DNA position 2520, C replaced by G.
Molecular consequence: intron variant.
Genome position (GRCh38, 1-based): chr16:15,745,114, G>C on the plus strand (C>G on the coding strand, the complement: MYH11 is on the minus strand). VCF-style: chr16-15745114-G-C. GRCh37 (hg19) VCF-style: chr16-15838971-G-C.
Other names: c.2520+15C>G (NM_022844.3); c.2541+15C>G (NM_001040114.2, NM_001040113.2).
Identifiers: ClinVar variation 977686 (VCV000977686.11), dbSNP rs199771313, ClinGen allele CA7922255.
Genomic context (GRCh38, chr16:15,745,114, plus strand): 5'-CCCAAATGTGAAGGCTCCAGAGTGAAGAAGCAGGGCTGGGGGCCCCTGGGAAGGGGGCTG[G>C]GGCAGAGCACTCACTTTGGTGAAAAGCCTCCACCACTGCCAGTTCCGCAGCTTGAGGTAG-3'